The following is an entry in ClinVar:

NM_014915.3(ANKRD26):c.3461A>T (p.His1154Leu)

Gene: ANKRD26 (ankyrin repeat domain containing 26; minus strand). Cytogenetic location: 10p12.1.
Variant type: single nucleotide variant.
Coding change: c.3461A>T on transcript NM_014915.3 (MANE Select); coding-DNA position 3461, A replaced by T.
Protein change: p.His1154Leu; replaces histidine 1154 with leucine.
Molecular consequence: missense variant.
Genome position (GRCh38, 1-based): chr10:27,034,989, T>A on the plus strand (A>T on the coding strand, the complement: ANKRD26 is on the minus strand). VCF-style: chr10-27034989-T-A. GRCh37 (hg19) VCF-style: chr10-27323918-T-A.
Other names: c.3458A>T, p.His1153Leu (NM_001256053.2); short protein forms H1154L, H1153L.
Identifiers: ClinVar variation 3869163 (VCV003869163.1).

ClinVar aggregate classification (germline): Uncertain significance (1 of 4 stars; one submission).

Conditions:
Inborn genetic diseases. Identifiers: MedGen C0950123, MeSH D030342.

gnomAD v4.1: 1 of 1,614,126 alleles (0.000062%); highest among the groups gnomAD compares: Non-Finnish European, 0.000085%; no homozygotes.

Submission:

Ambry Genetics
Classification: Uncertain significance for Inborn genetic diseases. Last evaluated: 2025-02-14. Review status: criteria provided, single submitter. Criteria: Ambry Variant Classification Scheme 2023. Collection method: clinical testing. Allele origin: germline.
Comment: The p.H1154L variant (also known as c.3461A>T), located in coding exon 24 of the ANKRD26 gene, results from an A to T substitution at nucleotide position 3461. The histidine at codon 1154 is replaced by leucine, an amino acid with similar properties. This amino acid position is conserved. In addition, this alteration is predicted to be tolerated by in silico analysis. Based on the available evidence, the clinical significance of this variant remains unclear.